The following is an entry in ClinVar:

NM_000179.3(MSH6):c.4052A>T (p.His1351Leu)

Gene: MSH6 (mutS homolog 6; plus strand). Cytogenetic location: 2p16.3.
Variant type: single nucleotide variant.
Coding change: c.4052A>T on transcript NM_000179.3 (MANE Select); coding-DNA position 4052, A replaced by T.
Protein change: p.His1351Leu; replaces histidine 1351 with leucine.
Molecular consequence: missense variant.
Genome position (GRCh38, 1-based): chr2:47,806,829, A>T. VCF-style: chr2-47806829-A-T. GRCh37 (hg19) VCF-style: chr2-48033968-A-T.
Other names: c.3662A>T, p.His1221Leu (NM_001281492.2); c.3146A>T, p.His1049Leu (NM_001281493.2, NM_001281494.2); short protein forms H1351L, H1049L, H1221L.
Identifiers: ClinVar variation 664589 (VCV000664589.11), dbSNP rs1325140069, ClinGen allele CA346761719.

ClinVar aggregate classification (germline): Uncertain significance. Review status: criteria provided, multiple submitters, no conflicts (2 of 4 stars). 2 submissions from 2 submitters: Uncertain significance (2). Last evaluated 2024-04-20.

Conditions:
Hereditary cancer-predisposing syndrome. Also called: Tumor predisposition; Hereditary neoplastic syndrome; Neoplastic Syndromes, Hereditary; Hereditary Cancer Syndrome. Identifiers: Orphanet 140162, MedGen C0027672, MeSH D009386, MONDO:0015356.
Hereditary nonpolyposis colorectal neoplasms. Identifiers: MedGen C0009405, MeSH D003123.

Submissions (2):

Labcorp Genetics (formerly Invitae), Labcorp
Classification: Uncertain significance for Hereditary nonpolyposis colorectal neoplasms. Last evaluated: 2024-04-20. Review status: criteria provided, single submitter. Criteria: Invitae Variant Classification Sherloc (09022015). Collection method: clinical testing. Allele origin: germline.
Comment: This sequence change replaces histidine, which is basic and polar, with leucine, which is neutral and non-polar, at codon 1351 of the MSH6 protein (p.His1351Leu). This variant is not present in population databases (gnomAD no frequency). This variant has not been reported in the literature in individuals affected with MSH6-related conditions. ClinVar contains an entry for this variant (Variation ID: 664589). Advanced modeling of protein sequence and biophysical properties (such as structural, functional, and spatial information, amino acid conservation, physicochemical variation, residue mobility, and thermodynamic stability) performed at Invitae indicates that this missense variant is not expected to disrupt MSH6 protein function with a negative predictive value of 95%. In summary, the available evidence is currently insufficient to determine the role of this variant in disease. Therefore, it has been classified as a Variant of Uncertain Significance.

Ambry Genetics
Classification: Uncertain significance for Hereditary cancer-predisposing syndrome. Last evaluated: 2020-08-24. Review status: criteria provided, single submitter. Criteria: Ambry Variant Classification Scheme 2023. Collection method: clinical testing. Allele origin: germline.
Comment: The p.H1351L variant (also known as c.4052A>T), located in coding exon 10 of the MSH6 gene, results from an A to T substitution at nucleotide position 4052. The histidine at codon 1351 is replaced by leucine, an amino acid with similar properties. This amino acid position is not well conserved in available vertebrate species. In addition, this alteration is predicted to be tolerated by in silico analysis. Since supporting evidence is limited at this time, the clinical significance of this alteration remains unclear.